The following is an entry in ClinVar:

NM_004655.4(AXIN2):c.661G>A (p.Val221Met)

Gene: AXIN2 (axin 2; minus strand). Cytogenetic location: 17q24.1.
Variant type: single nucleotide variant.
Coding change: c.661G>A on transcript NM_004655.4 (MANE Select); coding-DNA position 661, G replaced by A.
Protein change: p.Val221Met; replaces valine 221 with methionine.
Molecular consequence: missense variant.
Genome position (GRCh38, 1-based): chr17:65,557,960, C>T on the plus strand (G>A on the coding strand, the complement: AXIN2 is on the minus strand). VCF-style: chr17-65557960-C-T. GRCh37 (hg19) VCF-style: chr17-63554078-C-T.
Other names: c.661G>A (LRG_296t1); c.661G>A, p.Val221Met (NM_001363813.1); short protein forms V221M.
Identifiers: ClinVar variation 660832 (VCV000660832.14), dbSNP rs1402235122, ClinGen allele CA400680548.

ClinVar aggregate classification (germline): Conflicting classifications of pathogenicity. Review status: criteria provided, conflicting classifications (1 of 4 stars). 2 submissions from 2 submitters: Uncertain significance (1); Likely benign (1). Last evaluated 2025-12-08.

Conditions:
Oligodontia-cancer predisposition syndrome. Also called: TOOTH AGENESIS-COLORECTAL CANCER SYNDROME. Identifiers: Orphanet 300576, MedGen C1837750, MONDO:0012075, OMIM 608615. Disease mechanism: loss of function.
Hereditary cancer-predisposing syndrome. Also called: Neoplastic Syndromes, Hereditary; Tumor predisposition; Hereditary neoplastic syndrome; Hereditary Cancer Syndrome. Identifiers: Orphanet 140162, MedGen C0027672, MeSH D009386, MONDO:0015356.

Submissions (2):

Labcorp Genetics (formerly Invitae), Labcorp
Classification: Uncertain significance for Oligodontia-cancer predisposition syndrome. Last evaluated: 2025-12-08. Review status: criteria provided, single submitter. Criteria: Invitae Variant Classification Sherloc (09022015). Collection method: clinical testing. Allele origin: germline.
Comment: This sequence change replaces valine, which is neutral and non-polar, with methionine, which is neutral and non-polar, at codon 221 of the AXIN2 protein (p.Val221Met). This variant is not present in population databases (gnomAD no frequency). This variant has not been reported in the literature in individuals affected with AXIN2-related conditions. ClinVar contains an entry for this variant (Variation ID: 660832). Invitae Evidence Modeling of protein sequence and biophysical properties (such as structural, functional, and spatial information, amino acid conservation, physicochemical variation, residue mobility, and thermodynamic stability) indicates that this missense variant is not expected to disrupt AXIN2 protein function with a negative predictive value of 80%. In summary, the available evidence is currently insufficient to determine the role of this variant in disease. Therefore, it has been classified as a Variant of Uncertain Significance.

Ambry Genetics
Classification: Likely benign for Hereditary cancer-predisposing syndrome. Last evaluated: 2024-07-12. Review status: criteria provided, single submitter. Criteria: Ambry Variant Classification Scheme 2023. Collection method: clinical testing. Allele origin: germline.